The following is an entry in ClinVar:

ClinVar aggregate classification (germline): Likely benign. Review status: criteria provided, multiple submitters, no conflicts (2 of 4 stars). 2 submissions from 2 submitters: Likely benign (2). Last evaluated 2026-02-01.

Conditions:
Immunodeficiency 51 (IMD51). Also called: CANDIDIASIS, FAMILIAL, 5. Identifiers: Orphanet 1334, MedGen C4310803, MONDO:0013500, OMIM 613953.

Allele frequency attached by ClinVar (database versions not stated): gnomAD 0.00013 and 0.00022; TOPMed 0.00015; gnomAD exomes 0.00029 and 0.00050; 1000 Genomes Project 30x 0.00031; 1000 Genomes Project 0.00040; ExAC 0.00069.
gnomAD v4.1: 472 of 1,611,022 alleles (0.029%); highest among the groups gnomAD compares: South Asian, 0.3%; 4 homozygotes.

Submissions (2):

Labcorp Genetics (formerly Invitae), Labcorp
Classification: Likely benign for Immunodeficiency 51. Last evaluated: 2026-02-01. Review status: criteria provided, single submitter. Criteria: Invitae Variant Classification Sherloc (09022015). Collection method: clinical testing. Allele origin: germline.

Illumina Laboratory Services, Illumina
Classification: Likely benign for Immunodeficiency 51. Last evaluated: 2018-01-13. Review status: criteria provided, single submitter. Criteria: ICSL Variant Classification Criteria 13 December 2019. Collection method: clinical testing. Allele origin: germline.
Comment: This variant was observed in the ICSL laboratory as part of a predisposition screen in an ostensibly healthy population. It had not been previously curated by ICSL or reported in the Human Gene Mutation Database (HGMD: prior to June 1st, 2018), and was therefore a candidate for classification through an automated scoring system. Utilizing variant allele frequency, disease prevalence and penetrance estimates, and inheritance mode, an automated score was calculated to assess if this variant is too frequent to cause the disease. Based on the score and internal cut-off values, a variant classified as likely benign is not then subjected to further curation. The score for this variant resulted in a classification of likely benign for this disease.

NM_014339.7(IL17RA):c.2264T>C (p.Leu755Pro)

Gene: IL17RA (interleukin 17 receptor A; plus strand). Cytogenetic location: 22q11.1.
Variant type: single nucleotide variant.
Coding change: c.2264T>C on transcript NM_014339.7 (MANE Select); coding-DNA position 2264, T replaced by C.
Protein change: p.Leu755Pro; replaces leucine 755 with proline.
Molecular consequence: missense variant.
Genome position (GRCh38, 1-based): chr22:17,109,483, T>C. VCF-style: chr22-17109483-T-C. GRCh37 (hg19) VCF-style: chr22-17590373-T-C.
Other names: c.2162T>C, p.Leu721Pro (NM_001289905.2); short protein forms L721P, L755P.
Identifiers: ClinVar variation 785780 (VCV000785780.13), dbSNP rs574409116, ClinGen allele CA10086954.